The following is an entry in ClinVar:

ClinVar aggregate classification (germline): Likely pathogenic (1 of 4 stars; one submission).

Submission:

Dasa
Classification: Likely pathogenic. Last evaluated: 2025-02-25. Review status: criteria provided, single submitter. Criteria: DASA Assertion Criteria. Collection method: clinical testing. Allele origin: germline.
Comment: NM_001697.3(ATP5PO):c.10_17del (p.Pro4Valfs*32) is a frameshift variant in ATP5PO predicted to alter the reading frame and introduce a premature termination codon and is predicted to result in an absent or altered protein product. Loss of function is an established disease mechanism for ATP5PO-associated disorders. Also, this variant is absent from population databases. Based on the currently available evidence, this variant is classified as likely pathogenic.

NM_001697.3(ATP5PO):c.10_17del (p.Pro4fs)

Genes: ATP5PO (ATP synthase peripheral stalk subunit OSCP; minus strand), LOC130066573 (ATAC-STARR-seq lymphoblastoid active region 18384; plus strand). Cytogenetic location: 21q22.11.
Variant type: Deletion.
Coding change: c.10_17del on transcript NM_001697.3 (MANE Select); coding-DNA positions 10 to 17, 8 bases deleted (CCAGCAGT; older notation c.10_17delCCAGCAGT).
Protein change: p.Pro4fs; shifts the reading frame from proline 4.
Molecular consequence: frameshift variant.
Genome position (GRCh38, 1-based): chr21:33,915,747-33,915,754, ACTGCTGG deleted on the plus strand (CCAGCAGT on the coding strand, the reverse complement: ATP5PO is on the minus strand). VCF-style (leftmost placement, unchanged base first): chr21-33915746-CACTGCTGG-C. GRCh37 (hg19) VCF-style: chr21-35288050-CACTGCTGG-C.
Other names: short protein forms P4fs.
Identifiers: ClinVar variation 4886579 (VCV004886579.2).